The following is an entry in ClinVar:

ClinVar aggregate classification (germline): Uncertain significance. Review status: criteria provided, multiple submitters, no conflicts (2 of 4 stars). 4 submissions from 4 submitters: Uncertain significance (4). Last evaluated 2026-01-16.

Conditions:
Inborn genetic diseases. Identifiers: MedGen C0950123, MeSH D030342.
Charcot-Marie-Tooth disease axonal type 2S. Also called: CHARCOT-MARIE-TOOTH DISEASE, AXONAL, AUTOSOMAL RECESSIVE, TYPE 2S; CHARCOT-MARIE-TOOTH NEUROPATHY, TYPE 2S. Identifiers: Orphanet 443073, MedGen C4015349, MONDO:0014511, OMIM 616155.
Autosomal recessive distal spinal muscular atrophy 1. Also called: NEURONOPATHY, DISTAL HEREDITARY MOTOR, HARDING TYPE VI; NEUROPATHY, DISTAL HEREDITARY MOTOR, AUTOSOMAL RECESSIVE 1; HMN VI; NEURONOPATHY, SEVERE INFANTILE AXONAL, WITH RESPIRATORY FAILURE; SEVERE INFANTILE AXONAL NEUROPATHY WITH RESPIRATORY FAILURE; SPINAL MUSCULAR ATROPHY, DIAPHRAGMATIC. Identifiers: Orphanet 98920, MedGen C1858517, MONDO:0011436, OMIM 604320.

Allele frequency attached by ClinVar (database versions not stated): gnomAD exomes 0.00003; ExAC 0.00006; gnomAD 0.00007 and 0.00008; TOPMed 0.00009; ESP Exome Variant Server 0.00015.
gnomAD v4.1: 156 of 1,613,866 alleles (0.0097%); highest among the groups gnomAD compares: Middle Eastern, 0.066%; no homozygotes.

Submissions (4):

GeneDx
Classification: Uncertain significance. Last evaluated: 2026-01-16. Review status: criteria provided, single submitter. Criteria: GeneDx Variant Classification Process June 2021. Collection method: clinical testing. Allele origin: germline. Affected: yes.
Comment: Observed as heterozygous variant and with another variant in patients with distal motor neuropathy in published literature (PMID: 33369814, Yang X et al. (2022) Neurology. 98 (18 Supplement) 2108); Not observed at significant frequency in large population cohorts (gnomAD); In silico analysis supports that this missense variant has a deleterious effect on protein structure/function; This variant is associated with the following publications: (PMID: Yang2022[Abstract], 33369814)

Labcorp Genetics (formerly Invitae), Labcorp
Classification: Uncertain significance for Autosomal recessive distal spinal muscular atrophy 1; Charcot-Marie-Tooth disease axonal type 2S. Last evaluated: 2024-12-22. Review status: criteria provided, single submitter. Criteria: Invitae Variant Classification Sherloc (09022015). Collection method: clinical testing. Allele origin: germline.
Comment: This sequence change replaces arginine, which is basic and polar, with tryptophan, which is neutral and slightly polar, at codon 730 of the IGHMBP2 protein (p.Arg730Trp). This variant is present in population databases (rs146409569, gnomAD 0.01%). This missense change has been observed in individual(s) with distal hereditary motor neuropathy (PMID: 33369814). ClinVar contains an entry for this variant (Variation ID: 1015530). Invitae Evidence Modeling of protein sequence and biophysical properties (such as structural, functional, and spatial information, amino acid conservation, physicochemical variation, residue mobility, and thermodynamic stability) indicates that this missense variant is not expected to disrupt IGHMBP2 protein function with a negative predictive value of 95%. In summary, the available evidence is currently insufficient to determine the role of this variant in disease. Therefore, it has been classified as a Variant of Uncertain Significance.

Ambry Genetics
Classification: Uncertain significance for Inborn genetic diseases. Last evaluated: 2022-09-08. Review status: criteria provided, single submitter. Criteria: Ambry Variant Classification Scheme 2023. Collection method: clinical testing. Allele origin: germline.
Comment: The p.R730W variant (also known as c.2188C>T), located in coding exon 13 of the IGHMBP2 gene, results from a C to T substitution at nucleotide position 2188. The arginine at codon 730 is replaced by tryptophan, an amino acid with dissimilar properties. This alteration was detected in an individual with childhood-onset distal hereditary motor neuropathy; however,a second allele in IGHMPB2 was not described (Frasquet M et al. Eur J Neurol, 2021 04;28:1334-1343). This amino acid position is well conserved in available vertebrate species. In addition, the in silico prediction for this alteration is inconclusive. Since supporting evidence is limited at this time, the clinical significance of this alteration remains unclear.

Revvity Omics, Revvity
Classification: Uncertain significance. Last evaluated: 2019-07-11. Review status: criteria provided, single submitter. Criteria: ACMG Guidelines, 2015. Collection method: clinical testing. Allele origin: germline.

Literature cited by the submitters: PubMed 33369814 (cited by Labcorp Genetics (formerly Invitae), Labcorp and Ambry Genetics).

NM_002180.3(IGHMBP2):c.2188C>T (p.Arg730Trp)

Gene: IGHMBP2 (immunoglobulin mu DNA binding protein 2; plus strand). Cytogenetic location: 11q13.3.
Variant type: single nucleotide variant.
Coding change: c.2188C>T on transcript NM_002180.3 (MANE Select); coding-DNA position 2188, C replaced by T.
Protein change: p.Arg730Trp; replaces arginine 730 with tryptophan.
Molecular consequence: missense variant.
Genome position (GRCh38, 1-based): chr11:68,936,668, C>T. VCF-style: chr11-68936668-C-T. GRCh37 (hg19) VCF-style: chr11-68704136-C-T.
Other names: short protein forms R730W.
Identifiers: ClinVar variation 1015530 (VCV001015530.11), dbSNP rs146409569, ClinGen allele CA6153854.
Genomic context (GRCh38, chr11:68,936,668, plus strand): 5'-CCCAGCCTCAACGGAGGCAGCCCAGAGGGAGTGGAGAGCCAAGATGGCGTGGACCACTTC[C>T]GGGCCATGATAGTGGAGTTCATGGCCAGCAAGAAGATGCAGTTGGAGTTTCCTCCTTCCC-3'
Protein context (NP_002171.2, residues 720-740): VESQDGVDHF[Arg730Trp]AMIVEFMASK